The following is an entry in ClinVar:

ClinVar aggregate classification (germline): Uncertain significance (1 of 4 stars; one submission).

Submission:

Labcorp Genetics (formerly Invitae), Labcorp
Classification: Uncertain significance. Last evaluated: 2022-07-06. Review status: criteria provided, single submitter. Criteria: Invitae Variant Classification Sherloc (09022015). Collection method: clinical testing. Allele origin: germline.
Comment: In summary, the available evidence is currently insufficient to determine the role of this variant in disease. Therefore, it has been classified as a Variant of Uncertain Significance. Algorithms developed to predict the effect of missense changes on protein structure and function output the following: SIFT: "Tolerated"; PolyPhen-2: "Benign"; Align-GVGD: "Class C0". The valine amino acid residue is found in multiple mammalian species, which suggests that this missense change does not adversely affect protein function. ClinVar contains an entry for this variant (Variation ID: 1468449). This variant has not been reported in the literature in individuals affected with LCA5-related conditions. This variant is not present in population databases (gnomAD no frequency). This sequence change replaces alanine, which is neutral and non-polar, with valine, which is neutral and non-polar, at codon 684 of the LCA5 protein (p.Ala684Val).

NM_001122769.3(LCA5):c.2051C>T (p.Ala684Val)

Gene: LCA5 (lebercilin LCA5; minus strand). Cytogenetic location: 6q14.1.
Variant type: single nucleotide variant.
Coding change: c.2051C>T on transcript NM_001122769.3 (MANE Select); coding-DNA position 2051, C replaced by T.
Protein change: p.Ala684Val; replaces alanine 684 with valine.
Molecular consequence: missense variant.
Genome position (GRCh38, 1-based): chr6:79,487,047, G>A on the plus strand (C>T on the coding strand, the complement: LCA5 is on the minus strand). VCF-style: chr6-79487047-G-A. GRCh37 (hg19) VCF-style: chr6-80196764-G-A.
Other names: c.2051C>T, p.Ala684Val (NM_181714.4); short protein forms A684V.
Identifiers: ClinVar variation 1468449 (VCV001468449.8), dbSNP rs2127665317, ClinGen allele CA364636576.